The following is an entry in ClinVar:

NM_022841.7(RFX7):c.1546G>T (p.Val516Phe)

Gene: RFX7 (regulatory factor X7; minus strand). Cytogenetic location: 15q21.3.
Variant type: single nucleotide variant.
Coding change: c.1546G>T on transcript NM_022841.7 (MANE Select); coding-DNA position 1546, G replaced by T.
Protein change: p.Val516Phe; replaces valine 516 with phenylalanine.
Molecular consequence: missense variant.
Genome position (GRCh38, 1-based): chr15:56,096,182, C>A on the plus strand (G>T on the coding strand, the complement: RFX7 is on the minus strand). VCF-style: chr15-56096182-C-A. GRCh37 (hg19) VCF-style: chr15-56388380-C-A.
Other names: c.1255G>T, p.Val419Phe (NM_001368073.2, NM_001368074.1, NM_001370554.1); c.1546G>T, p.Val516Phe (NM_001370561.1); short protein forms V419F, V516F.
Identifiers: ClinVar variation 3367653 (VCV003367653.2).
Genomic context (GRCh38, chr15:56,096,182, plus strand): 5'-CCACAGCAGATGTTCCCCCCGCACTGCTGCTCCTGGACCCAGGAGACTGAAGCGACACGA[C>A]AGAACCATTCTTGATCTGTGGAACACTCCTTGATTCTTCTGTTGTTCCTGTAGCACTGCT-3'
Protein context (NP_073752.6, residues 506-526): RSVPQIKNGS[Val516Phe]VSLQSPGSRS

ClinVar aggregate classification (germline): Uncertain significance (1 of 4 stars; one submission).

Submission:

GeneDx
Classification: Uncertain significance. Last evaluated: 2026-08-06. Review status: criteria provided, single submitter. Criteria: GeneDx Variant Classification Process June 2021. Collection method: clinical testing. Allele origin: germline.
Comment: Not observed at significant frequency in large population cohorts (gnomAD); In silico analysis suggests that this missense variant does not alter protein structure/function; Has not been previously published as pathogenic or benign to our knowledge